The following is an entry in ClinVar:

ClinVar aggregate classification (germline): Likely benign. Review status: criteria provided, multiple submitters, no conflicts (2 of 4 stars). 2 submissions from 2 submitters: Likely benign (2). Last evaluated 2025-09-11.

Conditions:
ADAM22-related disorder. Also called: ADAM22-related condition.

gnomAD v4.1: 358 of 1,613,450 alleles (0.022%); highest among the groups gnomAD compares: African/African-American, 0.33%; 1 homozygote.

Submissions (2):

PreventionGenetics, part of Exact Sciences
Classification: Likely benign for ADAM22-related condition. Last evaluated: 2025-09-11. Review status: criteria provided, single submitter. Criteria: ACMG Guidelines, 2015. Collection method: clinical testing. Allele origin: germline.
Comment: This variant is classified as likely benign based on ACMG/AMP sequence variant interpretation guidelines (Richards et al. 2015 PMID: 25741868, with internal and published modifications).

Blueprint Genetics
Classification: Likely benign. Last evaluated: 2024-08-28. Review status: criteria provided, single submitter. Criteria: ACMG Guidelines, 2015. Collection method: clinical testing. Allele origin: germline.

NM_001324418.2(ADAM22):c.1461C>T (p.Asp487=)

Gene: ADAM22 (ADAM metallopeptidase domain 22; plus strand). Cytogenetic location: 7q21.12.
Variant type: single nucleotide variant.
Coding change: c.1461C>T on transcript NM_001324418.2 (MANE Select); coding-DNA position 1461, C replaced by T.
Protein change: p.Asp487=; no amino-acid change (aspartic acid 487 retained).
Molecular consequence: synonymous variant.
Genome position (GRCh38, 1-based): chr7:88,145,483, C>T. VCF-style: chr7-88145483-C-T. GRCh37 (hg19) VCF-style: chr7-87774798-C-T.
Other names: c.1461C>T (NM_021723.4); c.1458C>T, p.Asp486= (NM_001324417.2, NM_001324419.2, NM_001391978.1 and 2 more transcripts); c.1461C>T, p.Asp487= (NM_001324420.2, NM_001324421.2, NM_001391976.1 and 6 more transcripts); c.1512C>T, p.Asp504= (NM_001391975.1, NM_001391980.1); c.1437C>T, p.Asp479= (NM_001391982.1).
Identifiers: ClinVar variation 4896545 (VCV004896545.2).